The following is an entry in ClinVar:

ClinVar aggregate classification (germline): Uncertain significance. Review status: criteria provided, multiple submitters, no conflicts (2 of 4 stars). 3 submissions from 3 submitters: Uncertain significance (3). Last evaluated 2026-04-22.

Conditions:
Hereditary cancer-predisposing syndrome. Also called: Hereditary Cancer Syndrome; Tumor predisposition; Hereditary neoplastic syndrome; Neoplastic Syndromes, Hereditary. Identifiers: Orphanet 140162, MedGen C0027672, MeSH D009386, MONDO:0015356.
Familial cancer of breast. Also called: Hereditary breast cancer; BREAST CANCER, FAMILIAL; hereditary breast carcinoma. Identifiers: Orphanet 227535, MedGen C0346153, MONDO:0016419, OMIM 114480. Disease mechanism: loss of function.

gnomAD v4.1: 1 of 1,596,562 alleles (0.000063%); no homozygotes.

Submissions (3):

Ambry Genetics
Classification: Uncertain significance for Hereditary cancer-predisposing syndrome. Last evaluated: 2026-04-22. Review status: criteria provided, single submitter. Criteria: Ambry Variant Classification Scheme 2023. Collection method: clinical testing. Allele origin: germline.
Comment: The p.R217I variant (also known as c.650G>T), located in coding exon 4 of the CHEK2 gene, results from a G to T substitution at nucleotide position 650. The arginine at codon 217 is replaced by isoleucine, an amino acid with similar properties. This amino acid position is well conserved in available vertebrate species. In addition, the in silico prediction for this alteration is inconclusive. Based on the available evidence, the clinical significance of this variant remains unclear.

Color Diagnostics, LLC DBA Color Health
Classification: Uncertain significance for Hereditary cancer-predisposing syndrome. Last evaluated: 2023-10-16. Review status: criteria provided, single submitter. Criteria: ACMG Guidelines, 2015. Collection method: clinical testing. Allele origin: germline.
Comment: This missense variant replaces arginine with isoleucine at codon 217 of the CHEK2 protein. Computational prediction suggests that this variant may not impact protein structure and function (internally defined REVEL score threshold <= 0.5, PMID: 27666373). To our knowledge, functional studies have not been reported for this variant. This variant has not been reported in individuals affected with CHEK2-related disorders in the literature. This variant has not been identified in the general population by the Genome Aggregation Database (gnomAD). The available evidence is insufficient to determine the role of this variant in disease conclusively. Therefore, this variant is classified as a Variant of Uncertain Significance.

Labcorp Genetics (formerly Invitae), Labcorp
Classification: Uncertain significance for Familial cancer of breast. Last evaluated: 2017-05-23. Review status: criteria provided, single submitter. Criteria: Invitae Variant Classification Sherloc (09022015). Collection method: clinical testing. Allele origin: germline.
Comment: In summary, this variant has uncertain impact on CHEK2 function. The available evidence is currently insufficient to determine its role in disease. Therefore, it has been classified as a Variant of Uncertain Significance. Algorithms developed to predict the effect of missense changes on protein structure and function do not agree on the potential impact of this missense change (SIFT: "Deleterious"; PolyPhen-2: "Benign"; Align-GVGD: "Class C0"). This variant has not been reported in the literature in individuals with a CHEK2-related disease. This variant is not present in population databases (ExAC no frequency). This sequence change replaces arginine with isoleucine at codon 217 of the CHEK2 protein (p.Arg217Ile). The arginine residue is moderately conserved and there is a moderate physicochemical difference between arginine and isoleucine.

NM_007194.4(CHEK2):c.650G>T (p.Arg217Ile)

Gene: CHEK2 (checkpoint kinase 2; minus strand). Cytogenetic location: 22q12.1.
Variant type: single nucleotide variant.
Coding change: c.650G>T on transcript NM_007194.4 (MANE Select); coding-DNA position 650, G replaced by T.
Protein change: p.Arg217Ile; replaces arginine 217 with isoleucine.
Molecular consequence: missense variant. On other transcripts: 5 prime UTR variant (2), intron variant (1).
Genome position (GRCh38, 1-based): chr22:28,719,428, C>A on the plus strand (G>T on the coding strand, the complement: CHEK2 is on the minus strand). VCF-style: chr22-28719428-C-A. GRCh37 (hg19) VCF-style: chr22-29115416-C-A.
Other names: c.779G>T, p.Arg260Ile (NM_001005735.3, NM_001438294.1); c.-14G>T (NM_001257387.3, NM_001437942.1); c.743G>T, p.Arg248Ile (NM_001438293.1, NM_001438295.1); c.650G>T, p.Arg217Ile (NM_145862.3); c.482+5458G>T (NM_001349956.3); short protein forms R217I, R260I, R248I.
Identifiers: ClinVar variation 460848 (VCV000460848.11), dbSNP rs1486909310, ClinGen allele CA411104970.